The following is an entry in ClinVar:

ClinVar aggregate classification (germline): Uncertain significance (1 of 4 stars; one submission).

Conditions:
Congenital brain dysgenesis due to glutamine synthetase deficiency (GLND). Also called: GLUTAMINE SYNTHASE DEFICIENCY, CONGENITAL SYSTEMIC. Identifiers: Orphanet 71278, MedGen C1864910, MONDO:0012393, OMIM 610015.

Allele frequency attached by ClinVar (database versions not stated): gnomAD exomes below 0.00001 and 0.00002; ExAC 0.00001; gnomAD 0.00001; TOPMed 0.00001.

Submission:

Labcorp Genetics (formerly Invitae), Labcorp
Classification: Uncertain significance for Congenital brain dysgenesis due to glutamine synthetase deficiency. Last evaluated: 2022-08-09. Review status: criteria provided, single submitter. Criteria: Invitae Variant Classification Sherloc (09022015). Collection method: clinical testing. Allele origin: germline.
Comment: ClinVar contains an entry for this variant (Variation ID: 1371006). In summary, the available evidence is currently insufficient to determine the role of this variant in disease. Therefore, it has been classified as a Variant of Uncertain Significance. Algorithms developed to predict the effect of missense changes on protein structure and function (SIFT, PolyPhen-2, Align-GVGD) all suggest that this variant is likely to be tolerated. This variant has not been reported in the literature in individuals affected with GLUL-related conditions. This variant is present in population databases (rs763550998, gnomAD 0.007%). This sequence change replaces asparagine, which is neutral and polar, with serine, which is neutral and polar, at codon 10 of the GLUL protein (p.Asn10Ser).

NM_001033044.4(GLUL):c.29A>G (p.Asn10Ser)

Gene: GLUL (glutamate-ammonia ligase; minus strand). Cytogenetic location: 1q25.3.
Variant type: single nucleotide variant.
Coding change: c.29A>G on transcript NM_001033044.4 (MANE Select); coding-DNA position 29, A replaced by G.
Protein change: p.Asn10Ser; replaces asparagine 10 with serine.
Molecular consequence: missense variant.
Genome position (GRCh38, 1-based): chr1:182,388,709, T>C on the plus strand (A>G on the coding strand, the complement: GLUL is on the minus strand). VCF-style: chr1-182388709-T-C. GRCh37 (hg19) VCF-style: chr1-182357844-T-C.
Other names: c.29A>G, p.Asn10Ser (NM_001033056.4, NM_002065.7); short protein forms N10S.
Identifiers: ClinVar variation 1371006 (VCV001371006.6), dbSNP rs763550998, ClinGen allele CA1277269.
Genomic context (GRCh38, chr1:182,388,709, plus strand): 5'-TACATGGCCTGGACTTTCTCACCCTGAGGCAGGGACATGTACACCTGCTTGATGCCTTTA[T>C]TTAAGTGGGAACTTGCTGAGGTGGTCATGGTGGAAGGTGTTCTGGAGAAGAAAAAAAGAA-3'
Protein context (NP_001028216.1, residues 1-20): MTTSASSHL[Asn10Ser]KGIKQVYMSL